The following is an entry in ClinVar:

NM_000232.5(SGCB):c.*1105A>G

Gene: SGCB (sarcoglycan beta; minus strand). Cytogenetic location: 4q12.
Variant type: single nucleotide variant.
Coding change: c.*1105A>G on transcript NM_000232.5 (MANE Select); 1105 bases downstream of the stop codon, A replaced by G.
Molecular consequence: 3 prime UTR variant.
Genome position (GRCh38, 1-based): chr4:52,022,852, T>C on the plus strand (A>G on the coding strand, the complement: SGCB is on the minus strand). VCF-style: chr4-52022852-T-C. GRCh37 (hg19) VCF-style: chr4-52889018-T-C.
Identifiers: ClinVar variation 348872 (VCV000348872.7), dbSNP rs77404139, ClinGen allele CA10617797.

ClinVar aggregate classification (germline): Benign/Likely benign. Review status: criteria provided, multiple submitters, no conflicts (2 of 4 stars). 2 submissions from 2 submitters: Benign (1); Likely benign (1). Last evaluated 2021-05-24.

Conditions:
Qualitative or quantitative defects of beta-sarcoglycan. Identifiers: Orphanet 207063, MedGen C2930900, MONDO:0016142.

Allele frequency attached by ClinVar (database versions not stated): 1000 Genomes Project 0.00719; gnomAD 0.01035 and 0.01061; TOPMed 0.01039.

Submissions (2):

GeneDx
Classification: Likely benign. Last evaluated: 2021-05-24. Review status: criteria provided, single submitter. Criteria: GeneDx Variant Classification Process June 2021. Collection method: clinical testing. Allele origin: germline. Affected: yes.

Illumina Laboratory Services, Illumina
Classification: Benign for Qualitative or quantitative defects of beta-sarcoglycan. Last evaluated: 2018-01-13. Review status: criteria provided, single submitter. Criteria: ICSL Variant Classification Criteria 13 December 2019. Collection method: clinical testing. Allele origin: germline.
Comment: This variant was observed in the ICSL laboratory as part of a predisposition screen in an ostensibly healthy population. It had not been previously curated by ICSL or reported in the Human Gene Mutation Database (HGMD: prior to June 1st, 2018), and was therefore a candidate for classification through an automated scoring system. Utilizing variant allele frequency, disease prevalence and penetrance estimates, and inheritance mode, an automated score was calculated to assess if this variant is too frequent to cause the disease. Based on the score and internal cut-off values, a variant classified as benign is not then subjected to further curation. The score for this variant resulted in a classification of benign for this disease.